The following is an entry in ClinVar:

ClinVar aggregate classification (germline): Uncertain significance (1 of 4 stars; one submission).

Conditions:
Inborn genetic diseases. Identifiers: MedGen C0950123, MeSH D030342.

Submission:

Ambry Genetics
Classification: Uncertain significance for Inborn genetic diseases. Last evaluated: 2025-05-02. Review status: criteria provided, single submitter. Criteria: Ambry Variant Classification Scheme 2023. Collection method: clinical testing. Allele origin: germline.
Comment: The p.M890I variant (also known as c.2670G>C), located in coding exon 1 of the SAMD9L gene, results from a G to C substitution at nucleotide position 2670. The methionine at codon 890 is replaced by isoleucine, an amino acid with highly similar properties. This amino acid position is conserved. In addition, this alteration is predicted to be tolerated by in silico analysis. Based on the available evidence, the clinical significance of this variant remains unclear.

NM_152703.5(SAMD9L):c.2670G>C (p.Met890Ile)

Gene: SAMD9L (sterile alpha motif domain containing 9 like; minus strand). Cytogenetic location: 7q21.2.
Variant type: single nucleotide variant.
Coding change: c.2670G>C on transcript NM_152703.5 (MANE Select); coding-DNA position 2670, G replaced by C.
Protein change: p.Met890Ile; replaces methionine 890 with isoleucine.
Molecular consequence: missense variant.
Genome position (GRCh38, 1-based): chr7:93,133,302, C>G on the plus strand (G>C on the coding strand, the complement: SAMD9L is on the minus strand). VCF-style: chr7-93133302-C-G. GRCh37 (hg19) VCF-style: chr7-92762615-C-G.
Other names: c.2670G>C, p.Met890Ile (NM_001303496.3, NM_001303497.3, NM_001303498.3 and 5 more transcripts); short protein forms M890I.
Identifiers: ClinVar variation 3949892 (VCV003949892.1).